The following is an entry in ClinVar:

ClinVar aggregate classification (germline): Likely benign (0 of 4 stars; one submission).

Conditions:
NCAPD2-related disorder. Also called: NCAPD2-related condition.

Allele frequency attached by ClinVar (database versions not stated): gnomAD 0.00009; gnomAD exomes 0.00010; TOPMed 0.00010; ExAC 0.00014.
gnomAD v4.1: 157 of 1,610,612 alleles (0.0097%); highest among the groups gnomAD compares: Middle Eastern, 0.033%; no homozygotes.

Submission:

PreventionGenetics, part of Exact Sciences
Classification: Likely benign for NCAPD2-related condition. Last evaluated: 2019-04-03. Review status: no assertion criteria provided. Collection method: clinical testing. Allele origin: germline.
Comment: This variant is classified as likely benign based on ACMG/AMP sequence variant interpretation guidelines (Richards et al. 2015 PMID: 25741868, with internal and published modifications).

NM_014865.4(NCAPD2):c.3654-6C>T

Gene: NCAPD2 (non-SMC condensin I complex subunit D2; plus strand). Cytogenetic location: 12p13.31.
Variant type: single nucleotide variant.
Coding change: c.3654-6C>T on transcript NM_014865.4 (MANE Select); 6 bases into the intron before coding-DNA position 3654, C replaced by T.
Molecular consequence: intron variant.
Genome position (GRCh38, 1-based): chr12:6,529,769, C>T. VCF-style: chr12-6529769-C-T. GRCh37 (hg19) VCF-style: chr12-6638935-C-T.
Identifiers: ClinVar variation 3045995 (VCV003045995.2), dbSNP rs199497566, ClinGen allele CA6409158.